The following is an entry in ClinVar:

ClinVar aggregate classification (germline): Pathogenic/Likely pathogenic. Review status: criteria provided, multiple submitters, no conflicts (2 of 4 stars). 3 submissions from 3 submitters: Pathogenic (1); Likely pathogenic (1). 1 of the submissions does not count toward it. Last evaluated 2024-10-23.

Conditions:
Peroxisome biogenesis disorder type 3B. Identifiers: Orphanet 44, Orphanet 772, MedGen C3550693, MONDO:0009959, OMIM 266510.
Peroxisome biogenesis disorder 3A (Zellweger). Also called: PEROXISOMAL BIOGENESIS DISORDER 3A (ZELLWEGER); Peroxisome biogenesis disorder 3A. Identifiers: Orphanet 912, MedGen C3553929, MONDO:0013927, OMIM 614859.

Allele frequency attached by ClinVar (database versions not stated): gnomAD exomes below 0.00001; TOPMed below 0.00001.

Submissions (3):

Labcorp Genetics (formerly Invitae), Labcorp
Classification: Pathogenic for Peroxisome biogenesis disorder 3A (Zellweger). Last evaluated: 2024-10-23. Review status: criteria provided, single submitter. Criteria: Invitae Variant Classification Sherloc (09022015). Collection method: clinical testing. Allele origin: germline.
Comment: This sequence change creates a premature translational stop signal (p.Gln26Argfs*2) in the PEX12 gene. It is expected to result in an absent or disrupted protein product. Loss-of-function variants in PEX12 are known to be pathogenic (PMID: 9090384, 9632816, 21031596). This variant is present in population databases (no rsID available, gnomAD 0.003%). This variant has not been reported in the literature in individuals affected with PEX12-related conditions. ClinVar contains an entry for this variant (Variation ID: 553017). Algorithms developed to predict the effect of sequence changes on RNA splicing suggest that this variant may disrupt the consensus splice site. For these reasons, this variant has been classified as Pathogenic.

Baylor Genetics
Classification: Likely pathogenic for Peroxisome biogenesis disorder 3A (Zellweger). Last evaluated: 2022-06-23. Review status: criteria provided, single submitter. Criteria: ACMG Guidelines, 2015. Collection method: clinical testing. Allele origin: unknown.

Counsyl
Classification: Likely pathogenic for Peroxisome biogenesis disorder type 3B; Peroxisome biogenesis disorder 3A (Zellweger). Last evaluated: 2017-07-25. Review status: no assertion criteria provided. Collection method: clinical testing. Allele origin: unknown. Not counted in ClinVar's aggregate classification.

Literature cited by the submitters: PubMed 9090384 (cited by Labcorp Genetics (formerly Invitae), Labcorp); PubMed 9632816 (cited by Labcorp Genetics (formerly Invitae), Labcorp); PubMed 21031596 (cited by Labcorp Genetics (formerly Invitae), Labcorp).

NM_000286.3(PEX12):c.69_76dup (p.Gln26delinsArgTer)

Gene: PEX12 (peroxisomal biogenesis factor 12; minus strand). Cytogenetic location: 17q12.
Variant type: Duplication.
Coding change: c.69_76dup on transcript NM_000286.3 (MANE Select); coding-DNA positions 69 to 76, 8 bases duplicated (GGTAGCAC; older notation c.69_76dupGGTAGCAC).
Protein change: p.Gln26delinsArgTer.
Molecular consequence: nonsense.
Genome position (GRCh38, 1-based): chr17:35,577,946-35,577,953, GTGCTACC duplicated on the plus strand (GGTAGCAC on the coding strand, the reverse complement: PEX12 is on the minus strand). VCF-style (leftmost placement, unchanged base first): chr17-35577945-T-TGTGCTACC. GRCh37 (hg19) VCF-style: chr17-33904964-T-TGTGCTACC.
Identifiers: ClinVar variation 553017 (VCV000553017.9), dbSNP rs1238451790, ClinGen allele CA625820440.